The following is an entry in ClinVar:

ClinVar aggregate classification (germline): Uncertain significance (1 of 4 stars; one submission).

Conditions:
Inborn genetic diseases. Identifiers: MedGen C0950123, MeSH D030342.

Submission:

Ambry Genetics
Classification: Uncertain significance for Inborn genetic diseases. Last evaluated: 2025-06-28. Review status: criteria provided, single submitter. Criteria: Ambry Variant Classification Scheme 2023. Collection method: clinical testing. Allele origin: germline.
Comment: The p.L108F variant (also known as c.324A>T), located in coding exon 2 of the ERCC6L2 gene, results from an A to T substitution at nucleotide position 324. The leucine at codon 108 is replaced by phenylalanine, an amino acid with highly similar properties. This amino acid position is conserved. In addition, the in silico prediction for this alteration is inconclusive. Based on the available evidence, the clinical significance of this variant remains unclear.

NM_020207.7(ERCC6L2):c.324A>T (p.Leu108Phe)

Gene: ERCC6L2 (ERCC excision repair 6 like 2; plus strand). Cytogenetic location: 9q22.32.
Variant type: single nucleotide variant.
Coding change: c.324A>T on transcript NM_020207.7 (MANE Select); coding-DNA position 324, A replaced by T.
Protein change: p.Leu108Phe; replaces leucine 108 with phenylalanine.
Molecular consequence: missense variant. On other transcripts: non-coding transcript variant (1).
Genome position (GRCh38, 1-based): chr9:95,881,146, A>T. VCF-style: chr9-95881146-A-T. GRCh37 (hg19) VCF-style: chr9-98643428-A-T.
Other names: c.324A>T, p.Leu108Phe (NM_001010895.4, NM_001375291.1, NM_001375292.1 and 2 more transcripts); short protein forms L108F.
Identifiers: ClinVar variation 4250562 (VCV004250562.1).